The following is an entry in ClinVar:

NM_021930.6(RINT1):c.1214T>G (p.Val405Gly)

Gene: RINT1 (RAD50 interactor 1; plus strand). Cytogenetic location: 7q22.3.
Variant type: single nucleotide variant.
Coding change: c.1214T>G on transcript NM_021930.6 (MANE Select); coding-DNA position 1214, T replaced by G.
Protein change: p.Val405Gly; replaces valine 405 with glycine.
Molecular consequence: missense variant. On other transcripts: non-coding transcript variant (1).
Genome position (GRCh38, 1-based): chr7:105,550,367, T>G. VCF-style: chr7-105550367-T-G. GRCh37 (hg19) VCF-style: chr7-105190814-T-G.
Other names: c.980T>G, p.Val327Gly (NM_001346599.2); c.191T>G, p.Val64Gly (NM_001346600.2, NM_001346603.2); c.290T>G, p.Val97Gly (NM_001346601.2); short protein forms V327G, V405G, V64G, V97G.
Identifiers: ClinVar variation 5036713 (VCV005036713.1).

ClinVar aggregate classification (germline): Uncertain significance (1 of 4 stars; one submission).

Conditions:
Infantile liver failure syndrome 3. Identifiers: MedGen C5231437, MONDO:0032844, OMIM 618641.

Submission:

Gene Mapping Laboratory, Hacettepe University
Classification: Uncertain significance for Infantile liver failure syndrome 3. Last evaluated: 2026-10-23. Review status: criteria provided, single submitter. Criteria: ACMG Guidelines, 2015. Collection method: research. Allele origin: inherited. Inheritance: Autosomal recessive inheritance. Affected: yes. Observed: 1 variant allele, 1 homozygote.
Comment: This homozygous missense variant is reported to be rare in population databases (PM2). However, the variant remains of uncertain significance.